The following is an entry in ClinVar:

NM_014241.4(HACD1):c.484-15_533del

Gene: HACD1 (3-hydroxyacyl-CoA dehydratase 1; minus strand). Cytogenetic location: 10p12.33.
Variant type: Deletion.
Coding change: c.484-15_533del on transcript NM_014241.4 (MANE Select); 15 bases into the intron before coding-DNA position 484 through coding-DNA position 533, 65 bases deleted.
Molecular consequence: splice acceptor variant.
Genome position (GRCh38, 1-based): chr10:17,599,362-17,599,426, 65 bases deleted. GRCh37 (hg19): chr10:17,641,362-17,641,426.
Identifiers: ClinVar variation 1490608 (VCV001490608.6), dbSNP rs2131508948, ClinGen allele CA2573145003.

ClinVar aggregate classification (germline): Likely pathogenic (1 of 4 stars; one submission).

Submission:

Labcorp Genetics (formerly Invitae), Labcorp
Classification: Likely pathogenic. Last evaluated: 2022-07-29. Review status: criteria provided, single submitter. Criteria: Invitae Variant Classification Sherloc (09022015). Collection method: clinical testing. Allele origin: germline.
Comment: In summary, the currently available evidence indicates that the variant is pathogenic, but additional data are needed to prove that conclusively. Therefore, this variant has been classified as Likely Pathogenic. Algorithms developed to predict the effect of sequence changes on RNA splicing suggest that this variant may disrupt the consensus splice site. This variant has not been reported in the literature in individuals affected with HACD1-related conditions. This variant is not present in population databases (gnomAD no frequency). This variant results in the deletion of part of exon 5 (c.484-15_533del) of the HACD1 gene. It is expected to disrupt RNA splicing. Variants that disrupt the donor or acceptor splice site typically lead to a loss of protein function (PMID: 16199547), and loss-of-function variants in HACD1 are known to be pathogenic (PMID: 23933735).

Literature cited by the submitters: PubMed 16199547; PubMed 23933735.